The following is an entry in ClinVar:

ClinVar aggregate classification (germline): Uncertain significance. Review status: criteria provided, multiple submitters, no conflicts (2 of 4 stars). 2 submissions from 2 submitters: Uncertain significance (2). Last evaluated 2024-01-08.

Conditions:
Inborn genetic diseases. Identifiers: MedGen C0950123, MeSH D030342.
RYR1-related myopathy. Identifiers: Orphanet 98742, MedGen CN305348, MONDO:0100150.

Allele frequency attached by ClinVar (database versions not stated): gnomAD exomes below 0.00001; TOPMed 0.00001.
gnomAD v4.1: 2 of 1,614,168 alleles (0.00012%); highest among the groups gnomAD compares: South Asian, 0.0011%; no homozygotes.

Submissions (2):

Ambry Genetics
Classification: Uncertain significance for Inborn genetic diseases. Last evaluated: 2024-01-08. Review status: criteria provided, single submitter. Criteria: Ambry Variant Classification Scheme 2023. Collection method: clinical testing. Allele origin: germline.

Broad Center for Mendelian Genomics, Broad Institute of MIT and Harvard
Classification: Uncertain significance for RYR1-related myopathy. Last evaluated: 2023-01-25. Review status: criteria provided, single submitter. Criteria: ACMG Guidelines, 2015. Collection method: curation. Allele origin: germline. Inheritance: Autosomal recessive inheritance.
Comment: Trio exome analysis revealed that this variant was in trans with a likely pathogenic variant (ClinVar Variation ID: 285009). The p.Leu3654Pro variant has not been previously reported in individuals with RYR1-related myopathy but has been identified in 0.0007% (2/264690) chromosomes in TopMed Bravo. Although this variant has been seen in the general population in a heterozygous state, its frequency is low enough to be consistent with a recessive carrier frequency. Computational prediction tools and conservation analyses suggest that this variant may impact the protein, though this information is not predictive enough to determine pathogenicity. In summary, the clinical significance of the p.Leu3654Pro variant is uncertain. ACMG/AMP Criteria applied: PM2_Supporting, PM3, PP3 (Richards 2015).

NM_000540.3(RYR1):c.10961T>C (p.Leu3654Pro)

Gene: RYR1 (ryanodine receptor 1; plus strand). Cytogenetic location: 19q13.2.
Variant type: single nucleotide variant.
Coding change: c.10961T>C on transcript NM_000540.3 (MANE Select); coding-DNA position 10961, T replaced by C.
Protein change: p.Leu3654Pro; replaces leucine 3654 with proline.
Molecular consequence: missense variant.
Genome position (GRCh38, 1-based): chr19:38,528,622, T>C. VCF-style: chr19-38528622-T-C. GRCh37 (hg19) VCF-style: chr19-39019262-T-C.
Other names: NM_001042723.2:c.10946T>C; c.10946T>C, p.Leu3649Pro (NM_001042723.2); short protein forms L3649P, L3654P.
Identifiers: ClinVar variation 2412688 (VCV002412688.2), dbSNP rs1971589927, ClinGen allele CA405649725.
Genomic context (GRCh38, chr19:38,528,622, plus strand): 5'-GGGCGCGTCCCAGTGACGTCACACCTCTCCCCTGCAGGCACCGGGCATGTAACATGTTCC[T>C]GGAGAGCTACAAGGCTGCATGGATCCTGACTGAAGACCACAGTTTTGAGGACCGCATGAT-3'
Protein context (NP_000531.2, residues 3644-3664): LPTHRACNMF[Leu3654Pro]ESYKAAWILT